The following is an entry in ClinVar:

NM_002206.3(ITGA7):c.1559C>G (p.Pro520Arg)

Gene: ITGA7 (integrin subunit alpha 7; minus strand). Cytogenetic location: 12q13.2.
Variant type: single nucleotide variant.
Coding change: c.1559C>G on transcript NM_002206.3 (MANE Select); coding-DNA position 1559, C replaced by G.
Protein change: p.Pro520Arg; replaces proline 520 with arginine.
Molecular consequence: missense variant.
Genome position (GRCh38, 1-based): chr12:55,697,224, G>C on the plus strand (C>G on the coding strand, the complement: ITGA7 is on the minus strand). VCF-style: chr12-55697224-G-C. GRCh37 (hg19) VCF-style: chr12-56091008-G-C.
Other names: c.1484C>G, p.Pro495Arg (NM_001414030.1); c.1472C>G, p.Pro491Arg (NM_001414031.1); c.1439C>G, p.Pro480Arg (NM_001414032.1); c.1376C>G, p.Pro459Arg (NM_001414033.1); c.1559C>G, p.Pro520Arg (NM_001414034.1, NM_001374465.1); c.1220C>G, p.Pro407Arg (NM_001414035.1); c.1571C>G, p.Pro524Arg (NM_001144996.2, NM_001414029.1); c.1280C>G, p.Pro427Arg (NM_001144997.2); and 3 more; short protein forms P520R, P427R, P411R, P524R, P72R, P564R, P480R, P407R.
Identifiers: ClinVar variation 1479220 (VCV001479220.6), dbSNP rs886049666, ClinGen allele CA10642865.

ClinVar aggregate classification (germline): Uncertain significance (1 of 4 stars; one submission).

Conditions:
Congenital muscular dystrophy due to integrin alpha-7 deficiency. Also called: MYOPATHY, CONGENITAL, DUE TO INTEGRIN ALPHA-7 DEFICIENCY; Congenital muscular dystrophy with integrin alpha-7 deficiency; Muscular dystrophy, congenital, due to ITGA7 deficiency. Identifiers: Orphanet 34520, MedGen C2750786, MONDO:0013177, OMIM 613204.

Allele frequency attached by ClinVar (database versions not stated): gnomAD exomes below 0.00001.

Submission:

Labcorp Genetics (formerly Invitae), Labcorp
Classification: Uncertain significance for Congenital muscular dystrophy due to integrin alpha-7 deficiency. Last evaluated: 2022-07-12. Review status: criteria provided, single submitter. Criteria: Invitae Variant Classification Sherloc (09022015). Collection method: clinical testing. Allele origin: germline.
Comment: In summary, the available evidence is currently insufficient to determine the role of this variant in disease. Therefore, it has been classified as a Variant of Uncertain Significance. This sequence change replaces proline, which is neutral and non-polar, with arginine, which is basic and polar, at codon 520 of the ITGA7 protein (p.Pro520Arg). This variant is not present in population databases (gnomAD no frequency). This variant has not been reported in the literature in individuals affected with ITGA7-related conditions. ClinVar contains an entry for this variant (Variation ID: 1479220). Algorithms developed to predict the effect of missense changes on protein structure and function are either unavailable or do not agree on the potential impact of this missense change (SIFT: "Tolerated"; PolyPhen-2: "Probably Damaging"; Align-GVGD: "Class C0").